The following is an entry in ClinVar:

NM_025074.7(FRAS1):c.5507T>C (p.Ile1836Thr)

Gene: FRAS1 (Fraser extracellular matrix complex subunit 1; plus strand). Cytogenetic location: 4q21.21.
Variant type: single nucleotide variant.
Coding change: c.5507T>C on transcript NM_025074.7 (MANE Select); coding-DNA position 5507, T replaced by C.
Protein change: p.Ile1836Thr; replaces isoleucine 1836 with threonine.
Molecular consequence: missense variant.
Genome position (GRCh38, 1-based): chr4:78,439,042, T>C. VCF-style: chr4-78439042-T-C. GRCh37 (hg19) VCF-style: chr4-79360196-T-C.
Other names: c.5507T>C (NM_025074.6); c.5507T>C, p.Ile1836Thr (NM_001166133.2); short protein forms I1836T.
Identifiers: ClinVar variation 3591026 (VCV003591026.3).

ClinVar aggregate classification (germline): Uncertain significance. Review status: criteria provided, multiple submitters, no conflicts (2 of 4 stars). 3 submissions from 3 submitters: Uncertain significance (3). Last evaluated 2025-03-08.

Conditions:
Inborn genetic diseases. Identifiers: MedGen C0950123, MeSH D030342.
Fraser syndrome 1 (FRASRS1). Also called: CRYPTOPHTHALMOS WITH OTHER MALFORMATIONS. Identifiers: Orphanet 2052, MedGen C4551480, MONDO:0054737, OMIM 219000.

gnomAD v4.1: 2 of 1,613,492 alleles (0.00012%); highest among the groups gnomAD compares: Non-Finnish European, 0.00017%; no homozygotes.

Submissions (3):

Ambry Genetics
Classification: Uncertain significance for Inborn genetic diseases. Last evaluated: 2025-03-08. Review status: criteria provided, single submitter. Criteria: Ambry Variant Classification Scheme 2023. Collection method: clinical testing. Allele origin: germline.

Women's Health and Genetics/Laboratory Corporation of America, LabCorp
Classification: Uncertain significance. Last evaluated: 2024-11-20. Review status: criteria provided, single submitter. Criteria: LabCorp Variant Classification Summary - May 2015. Collection method: clinical testing. Allele origin: germline.
Comment: Variant summary: FRAS1 c.5507T>C (p.Ile1836Thr) results in a non-conservative amino acid change located in the CSPG repeat (IPR039005) of the encoded protein sequence. Three of five in-silico tools predict a benign effect of the variant on protein function. The variant was absent in 248780 control chromosomes (gnomAD). The available data on variant occurrences in the general population are insufficient to allow any conclusion about variant significance. To our knowledge, no occurrence of c.5507T>C in individuals affected with Cryptophthalmos Syndrome and no experimental evidence demonstrating its impact on protein function have been reported. No submitters have cited clinical-significance assessments for this variant to ClinVar. Based on the evidence outlined above, the variant was classified as uncertain significance.

Fulgent Genetics
Classification: Uncertain significance for Fraser syndrome 1. Last evaluated: 2024-04-20. Review status: criteria provided, single submitter. Criteria: ACMG Guidelines, 2015. Collection method: clinical testing. Allele origin: germline.